The following is an entry in ClinVar:

NM_001291415.2(KDM6A):c.1253G>T (p.Ser418Ile)

Gene: KDM6A (lysine demethylase 6A; plus strand). Cytogenetic location: Xp11.3.
Variant type: single nucleotide variant.
Coding change: c.1253G>T on transcript NM_001291415.2 (MANE Select); coding-DNA position 1253, G replaced by T.
Protein change: p.Ser418Ile; replaces serine 418 with isoleucine.
Molecular consequence: missense variant. On other transcripts: intron variant (6).
Genome position (GRCh38, 1-based): chrX:45,060,080, G>T. VCF-style: chrX-45060080-G-T. GRCh37 (hg19) VCF-style: chrX-44919325-G-T.
Other names: c.1253G>T, p.Ser418Ile (NM_001419814.1, NM_021140.4, NM_001410742.1 and 4 more transcripts); c.1195-529G>T (NM_001419811.1, NM_001291416.2); c.1194+614G>T (NM_001291417.2, NM_001419815.1, NM_001291418.2); c.441+614G>T (NM_001291421.2); short protein forms S418I.
Identifiers: ClinVar variation 4746665 (VCV004746665.1).

ClinVar aggregate classification (germline): Uncertain significance (1 of 4 stars; one submission).

Conditions:
Kabuki syndrome 2 (KABUK2). Also called: KDM6A-Related Kabuki Syndrome. Identifiers: Orphanet 2322, MedGen C3275495, MONDO:0010465, OMIM 300867.

Submission:

Labcorp Genetics (formerly Invitae), Labcorp
Classification: Uncertain significance for Kabuki syndrome 2. Last evaluated: 2025-04-27. Review status: criteria provided, single submitter. Criteria: Invitae Variant Classification Sherloc (09022015). Collection method: clinical testing. Allele origin: germline.
Comment: This sequence change replaces serine, which is neutral and polar, with isoleucine, which is neutral and non-polar, at codon 418 of the KDM6A protein (p.Ser418Ile). This variant is not present in population databases (gnomAD no frequency). This variant has not been reported in the literature in individuals affected with KDM6A-related conditions. Invitae Evidence Modeling of protein sequence and biophysical properties (such as structural, functional, and spatial information, amino acid conservation, physicochemical variation, residue mobility, and thermodynamic stability) indicates that this missense variant is not expected to disrupt KDM6A protein function with a negative predictive value of 80%. In summary, the available evidence is currently insufficient to determine the role of this variant in disease. Therefore, it has been classified as a Variant of Uncertain Significance.